The following is an entry in ClinVar:

NM_025114.4(CEP290):c.853-1G>C

Gene: CEP290 (centrosomal protein 290; minus strand). Cytogenetic location: 12q21.32.
Variant type: single nucleotide variant.
Coding change: c.853-1G>C on transcript NM_025114.4 (MANE Select); the canonical splice acceptor site of the intron before coding-DNA position 853, G replaced by C.
Molecular consequence: splice acceptor variant.
Genome position (GRCh38, 1-based): chr12:88,129,036, C>G on the plus strand (G>C on the coding strand, the complement: CEP290 is on the minus strand). VCF-style: chr12-88129036-C-G. GRCh37 (hg19) VCF-style: chr12-88522813-C-G.
Identifiers: ClinVar variation 4995825 (VCV004995825.1).
Genomic context (GRCh38, chr12:88,129,036, plus strand): 5'-TACCATAATTGGATCATCTTCTTCATTTTTTGATTTCAGAAGATCTGTAAGCTCCTGCAC[C>G]TAAAAGACAAAGTTATTTCAAGAGTTGTTGCAAACTGATGTAACATATATTTACACCTGT-3'

ClinVar aggregate classification (germline): Uncertain significance (1 of 4 stars; one submission).

Conditions:
CEP290-related disorder. Also called: CEP290-related condition; CEP290-related disorders. Identifiers: MedGen CN239314.

Submission:

PreventionGenetics, part of Exact Sciences
Classification: Uncertain significance for CEP290-related condition. Last evaluated: 2025-09-10. Review status: criteria provided, single submitter. Criteria: ACMG Guidelines, 2015. Collection method: clinical testing. Allele origin: germline.
Comment: The CEP290 c.853-1G>C variant is predicted to disrupt the AG splice acceptor site and interfere with normal splicing. However, if this nucleotide change causes skipping of exon 11, this variant could result in an in-frame deletion of thirty amino acids. To our knowledge, this variant has not been reported in the literature or in a large population database (gnomAD), indicating this variant is rare. Although we suspect that this variant may be pathogenic, at this time, the clinical significance of this variant is uncertain due to the absence of conclusive functional and genetic evidence.